The following is an entry in ClinVar:

ClinVar aggregate classification (germline): Uncertain significance (1 of 4 stars; one submission).

Submission:

Women's Health and Genetics/Laboratory Corporation of America, LabCorp
Classification: Uncertain significance. Last evaluated: 2026-04-29. Review status: criteria provided, single submitter. Criteria: LabCorp Variant Classification Summary - May 2015. Collection method: clinical testing. Allele origin: germline.
Comment: Variant summary: The variant involves the duplication of exons 1-5 in the PAX1 gene. A presumed nomenclature of c.(?_-50)_(*3920_?)dup has been designated for the purposes of this classification. This duplication includes the entire coding sequence of the gene. As exact breakpoints are unknown, it may extend beyond the annotated region of the gene, to include other flanking genes. The variant was absent in 21694 control chromosomes (gnomAD SVs). The available data on variant occurrences in the general population are insufficient to allow any conclusion about variant significance. To our knowledge, no occurrence of c.(?_-50)_(*3920_?)dup in individuals affected with PAX1-related conditions and no experimental evidence demonstrating its impact on protein function have been reported. No submitters have cited clinical-significance assessments for this variant to ClinVar. Based on the evidence outlined above, the variant was classified as uncertain significance.

NC_000020.10:g.(?_21686301)_(21699120_?)dup

Gene: PAX1 (paired box 1; plus strand). Cytogenetic location: 20p11.22.
Variant type: Duplication.
Identifiers: ClinVar variation 4848525 (VCV004848525.1).